The following is an entry in ClinVar:

NM_005120.3(MED12):c.650C>A (p.Ser217Tyr)

Gene: MED12 (mediator complex subunit 12; plus strand). Cytogenetic location: Xq13.1.
Variant type: single nucleotide variant.
Coding change: c.650C>A on transcript NM_005120.3 (MANE Select); coding-DNA position 650, C replaced by A.
Protein change: p.Ser217Tyr; replaces serine 217 with tyrosine.
Molecular consequence: missense variant.
Genome position (GRCh38, 1-based): chrX:71,121,067, C>A. VCF-style: chrX-71121067-C-A. GRCh37 (hg19) VCF-style: chrX-70340917-C-A.
Other names: short protein forms S217Y.
Identifiers: ClinVar variation 3368697 (VCV003368697.1).

ClinVar aggregate classification (germline): Uncertain significance (1 of 4 stars; one submission).

Submission:

GeneDx
Classification: Uncertain significance. Last evaluated: 2024-02-01. Review status: criteria provided, single submitter. Criteria: GeneDx Variant Classification Process June 2021. Collection method: clinical testing. Allele origin: germline. Affected: yes.
Comment: Not observed at significant frequency in large population cohorts (gnomAD); In silico analysis supports that this missense variant has a deleterious effect on protein structure/function; Has not been previously published as pathogenic or benign to our knowledge